The following is an entry in ClinVar:

ClinVar aggregate classification (germline): Uncertain significance. Review status: criteria provided, multiple submitters, no conflicts (2 of 4 stars). 2 submissions from 2 submitters: Uncertain significance (2). Last evaluated 2026-03-12.

Conditions:
Hereditary cancer-predisposing syndrome. Also called: Neoplastic Syndromes, Hereditary; Tumor predisposition; Hereditary Cancer Syndrome; Hereditary neoplastic syndrome. Identifiers: Orphanet 140162, MedGen C0027672, MeSH D009386, MONDO:0015356.

Submissions (2):

Ambry Genetics
Classification: Uncertain significance for Hereditary cancer-predisposing syndrome. Last evaluated: 2026-03-12. Review status: criteria provided, single submitter. Criteria: Ambry Variant Classification Scheme 2023. Collection method: clinical testing. Allele origin: germline.
Comment: The p.S51N variant (also known as c.152G>A), located in coding exon 2 of the NTHL1 gene, results from a G to A substitution at nucleotide position 152. The serine at codon 51 is replaced by asparagine, an amino acid with highly similar properties. This amino acid position is conserved. In addition, this alteration is predicted to be tolerated by in silico analysis. Based on the available evidence, the clinical significance of this variant remains unclear.

Labcorp Genetics (formerly Invitae), Labcorp
Classification: Uncertain significance. Last evaluated: 2025-06-08. Review status: criteria provided, single submitter. Criteria: Invitae Variant Classification Sherloc (09022015). Collection method: clinical testing. Allele origin: germline.
Comment: This sequence change replaces serine, which is neutral and polar, with asparagine, which is neutral and polar, at codon 51 of the NTHL1 protein (p.Ser51Asn). This variant is not present in population databases (gnomAD no frequency). This variant has not been reported in the literature in individuals affected with NTHL1-related conditions. An algorithm developed to predict the effect of missense changes on protein structure and function outputs the following: PolyPhen-2: "Benign". The asparagine amino acid residue is found in multiple mammalian species, which suggests that this missense change does not adversely affect protein function. In summary, the available evidence is currently insufficient to determine the role of this variant in disease. Therefore, it has been classified as a Variant of Uncertain Significance.

NM_002528.7(NTHL1):c.128G>A (p.Ser43Asn)

Gene: NTHL1 (nth like DNA glycosylase 1; minus strand). Cytogenetic location: 16p13.3.
Variant type: single nucleotide variant.
Coding change: c.128G>A on transcript NM_002528.7 (MANE Select); coding-DNA position 128, G replaced by A.
Protein change: p.Ser43Asn; replaces serine 43 with asparagine.
Molecular consequence: missense variant. On other transcripts: 5 prime UTR variant (1).
Genome position (GRCh38, 1-based): chr16:2,046,354, C>T on the plus strand (G>A on the coding strand, the complement: NTHL1 is on the minus strand). VCF-style: chr16-2046354-C-T. GRCh37 (hg19) VCF-style: chr16-2096355-C-T.
Other names: c.152G>A (NM_002528.5); c.128G>A, p.Ser43Asn (NM_001318193.2); c.-51G>A (NM_001318194.2); short protein forms S43N.
Identifiers: ClinVar variation 4720939 (VCV004720939.2).
Genomic context (GRCh38, chr16:2,046,354, plus strand): 5'-GAGCCCTCATAGGCCACACGCAGTCTCTGTGCTTTCCGCGGACGCTTCACGGGGCTGTGG[C>T]TTTTCCTCGCTTCTGCAAAAAGCACCACGCAGTCCCTCTGGTGGGGCCACAGGTGAAGGT-3'
Protein context (NP_002519.2, residues 33-53): RREAAAEARK[Ser43Asn]HSPVKRPRKA